The following is an entry in ClinVar:

ClinVar aggregate classification (germline): Benign (1 of 4 stars; one submission).

Allele frequency attached by ClinVar (database versions not stated): 1000 Genomes Project 30x 0.56379; 1000 Genomes Project 0.57642; TOPMed 0.57956; gnomAD 0.58564 and 0.59800.
gnomAD v4.1: 65,918 of 109,987 alleles (60%); highest among the groups gnomAD compares: East Asian, 87%; 17,025 homozygotes.

Submission:

GeneDx
Classification: Benign. Last evaluated: 2018-06-14. Review status: criteria provided, single submitter. Criteria: GeneDx Variant Classification (06012015). Collection method: clinical testing. Allele origin: germline. Affected: yes.
Comment: This variant is considered likely benign or benign based on one or more of the following criteria: it is a conservative change, it occurs at a poorly conserved position in the protein, it is predicted to be benign by multiple in silico algorithms, and/or has population frequency not consistent with disease.

NM_002547.3(OPHN1):c.598-245G>A

Gene: OPHN1 (oligophrenin 1; minus strand). Cytogenetic location: Xq12.
Variant type: single nucleotide variant.
Coding change: c.598-245G>A on transcript NM_002547.3 (MANE Select); 245 bases into the intron before coding-DNA position 598, G replaced by A.
Molecular consequence: intron variant.
Genome position (GRCh38, 1-based): chrX:68,212,457, C>T on the plus strand (G>A on the coding strand, the complement: OPHN1 is on the minus strand). VCF-style: chrX-68212457-C-T. GRCh37 (hg19) VCF-style: chrX-67432299-C-T.
Identifiers: ClinVar variation 667771 (VCV000667771.1), dbSNP rs2363433, ClinGen allele CA15040350.